The following is an entry in ClinVar:

ClinVar aggregate classification (germline): Pathogenic (1 of 4 stars; one submission).

Conditions:
Sulfite oxidase deficiency. Also called: Isolated sulfite oxidase deficiency. Identifiers: Orphanet 833, Orphanet 99731, MedGen C0268624, MONDO:0010089, OMIM 272300, HP:0003643.

Allele frequency attached by ClinVar (database versions not stated): gnomAD exomes below 0.00001.
gnomAD v4.1: 1 of 1,614,102 alleles (0.000062%); highest among the groups gnomAD compares: Non-Finnish European, 0.000085%; no homozygotes.

Submission:

Labcorp Genetics (formerly Invitae), Labcorp
Classification: Pathogenic for Sulfite oxidase deficiency. Last evaluated: 2022-05-03. Review status: criteria provided, single submitter. Criteria: Invitae Variant Classification Sherloc (09022015). Collection method: clinical testing. Allele origin: germline.
Comment: This variant disrupts a region of the SUOX protein in which other variant(s) (p.Arg459Gln) have been determined to be pathogenic (PMID: 31870341). This suggests that this is a clinically significant region of the protein, and that variants that disrupt it are likely to be disease-causing. For these reasons, this variant has been classified as Pathogenic. This variant has not been reported in the literature in individuals affected with SUOX-related conditions. This variant is present in population databases (no rsID available, gnomAD 0.007%). This sequence change creates a premature translational stop signal (p.Trp283*) in the SUOX gene. While this is not anticipated to result in nonsense mediated decay, it is expected to disrupt the last 263 amino acid(s) of the SUOX protein.

Literature cited by the submitters: PubMed 31870341.

NM_001032386.2(SUOX):c.849G>A (p.Trp283Ter)

Gene: SUOX (sulfite oxidase; plus strand). Cytogenetic location: 12q13.2.
Variant type: single nucleotide variant.
Coding change: c.849G>A on transcript NM_001032386.2 (MANE Select); coding-DNA position 849, G replaced by A.
Protein change: p.Trp283Ter; replaces tryptophan 283 with a stop codon.
Molecular consequence: nonsense.
Genome position (GRCh38, 1-based): chr12:56,004,238, G>A. VCF-style: chr12-56004238-G-A. GRCh37 (hg19) VCF-style: chr12-56398022-G-A.
Other names: c.849G>A, p.Trp283Ter (NM_000456.3, NM_001032387.2); short protein forms W283*.
Identifiers: ClinVar variation 2132887 (VCV002132887.4), dbSNP rs1372045486, ClinGen allele CA385288482.
Genomic context (GRCh38, chr12:56,004,238, plus strand): 5'-GTGTGCCGGCAACCGACGCTCTGAGATGACTCAGGTCAAAGAAGTAAAAGGTCTGGAGTG[G>A]AGAACAGGAGCCATCAGCACTGCACGCTGGGCTGGGGCACGGCTCTGTGATGTGTTAGCC-3'